The following is an entry in ClinVar:

NM_002291.3(LAMB1):c.4282C>T (p.Pro1428Ser)

Gene: LAMB1 (laminin subunit beta 1; minus strand). Cytogenetic location: 7q31.1.
Variant type: single nucleotide variant.
Coding change: c.4282C>T on transcript NM_002291.3 (MANE Select); coding-DNA position 4282, C replaced by T.
Protein change: p.Pro1428Ser; replaces proline 1428 with serine.
Molecular consequence: missense variant.
Genome position (GRCh38, 1-based): chr7:107,932,284, G>A on the plus strand (C>T on the coding strand, the complement: LAMB1 is on the minus strand). VCF-style: chr7-107932284-G-A. GRCh37 (hg19) VCF-style: chr7-107572729-G-A.
Other names: short protein forms P1428S.
Identifiers: ClinVar variation 2418476 (VCV002418476.6), dbSNP rs1235585031, ClinGen allele CA368864811.

ClinVar aggregate classification (germline): Uncertain significance (1 of 4 stars; one submission).

Allele frequency attached by ClinVar (database versions not stated): gnomAD 0.00001; gnomAD exomes 0.00001; TOPMed 0.00001.
gnomAD v4.1: 16 of 1,614,038 alleles (0.00099%); highest among the groups gnomAD compares: Middle Eastern, 0.049%; no homozygotes.

Submission:

Labcorp Genetics (formerly Invitae), Labcorp
Classification: Uncertain significance. Last evaluated: 2025-03-17. Review status: criteria provided, single submitter. Criteria: Invitae Variant Classification Sherloc (09022015). Collection method: clinical testing. Allele origin: germline.
Comment: This sequence change replaces proline, which is neutral and non-polar, with serine, which is neutral and polar, at codon 1428 of the LAMB1 protein (p.Pro1428Ser). This variant is present in population databases (no rsID available, gnomAD 0.003%). This variant has not been reported in the literature in individuals affected with LAMB1-related conditions. ClinVar contains an entry for this variant (Variation ID: 2418476). An algorithm developed to predict the effect of missense changes on protein structure and function (PolyPhen-2) suggests that this variant is likely to be tolerated. In summary, the available evidence is currently insufficient to determine the role of this variant in disease. Therefore, it has been classified as a Variant of Uncertain Significance.